The following is an entry in ClinVar:

ClinVar aggregate classification (germline): Uncertain significance (1 of 4 stars; one submission).

Submission:

Ambry Genetics
Classification: Uncertain significance. Last evaluated: 2025-06-19. Review status: criteria provided, single submitter. Criteria: Ambry Variant Classification Scheme 2023. Collection method: clinical testing. Allele origin: germline.
Comment: The p.E45V variant (also known as c.134A>T), located in coding exon 1 of the EGLN1 gene, results from an A to T substitution at nucleotide position 134. The glutamic acid at codon 45 is replaced by valine, an amino acid with dissimilar properties. This amino acid position is conserved. In addition, the in silico prediction for this alteration is inconclusive. Since supporting evidence is limited at this time, the clinical significance of this alteration remains unclear.

NM_022051.3(EGLN1):c.134A>T (p.Glu45Val)

Gene: EGLN1 (egl-9 family hypoxia inducible factor 1; minus strand). Cytogenetic location: 1q42.2.
Variant type: single nucleotide variant.
Coding change: c.134A>T on transcript NM_022051.3 (MANE Select); coding-DNA position 134, A replaced by T.
Protein change: p.Glu45Val; replaces glutamic acid 45 with valine.
Molecular consequence: missense variant.
Genome position (GRCh38, 1-based): chr1:231,421,755, T>A on the plus strand (A>T on the coding strand, the complement: EGLN1 is on the minus strand). VCF-style: chr1-231421755-T-A. GRCh37 (hg19) VCF-style: chr1-231557501-T-A.
Other names: c.134A>T, p.Glu45Val (NM_001377260.1, NM_001377261.1); short protein forms E45V.
Identifiers: ClinVar variation 2589168 (VCV002589168.3), dbSNP rs2527361710, ClinGen allele CA345238958.